The following is an entry in ClinVar:

ClinVar aggregate classification (germline): Benign. Review status: criteria provided, multiple submitters, no conflicts (2 of 4 stars). 3 submissions from 3 submitters: Benign (3). Last evaluated 2018-06-14.

Allele frequency attached by ClinVar (database versions not stated): TOPMed 0.36770; 1000 Genomes Project 30x 0.48407; 1000 Genomes Project 0.48722; gnomAD exomes 0.24368 and 0.31750; ExAC 0.32086; gnomAD 0.34258 and 0.33897; ESP Exome Variant Server 0.30685.
gnomAD v4.1: 406,282 of 1,598,260 alleles (25%); highest among the groups gnomAD compares: East Asian, 65%; 62,956 homozygotes.

Submissions (3):

GeneDx
Classification: Benign. Last evaluated: 2018-06-14. Review status: criteria provided, single submitter. Criteria: GeneDx Variant Classification (06012015). Collection method: clinical testing. Allele origin: germline. Affected: yes.
Comment: This variant is considered likely benign or benign based on one or more of the following criteria: it is a conservative change, it occurs at a poorly conserved position in the protein, it is predicted to be benign by multiple in silico algorithms, and/or has population frequency not consistent with disease.

Mayo Clinic Laboratories, Mayo Clinic
Classification: Benign. Last evaluated: 2014-03-04. Review status: criteria provided, single submitter. Criteria: ACMG Guidelines, 2015. Collection method: clinical testing. Allele origin: germline. Observed: 348 variant alleles.

Breakthrough Genomics
Classification: Benign. Review status: criteria provided, single submitter. Criteria: ACMG Guidelines, 2015. Collection method: not provided. Allele origin: germline. Inheritance: Autosomal recessive inheritance. Affected: yes.

NM_001267550.2(TTN):c.21962-23A>G

Gene: TTN (titin; minus strand). Cytogenetic location: 2q31.2.
Variant type: single nucleotide variant.
Coding change: c.21962-23A>G on transcript NM_001267550.2 (MANE Select); 23 bases into the intron before coding-DNA position 21962, A replaced by G.
Molecular consequence: intron variant.
Genome position (GRCh38, 1-based): chr2:178,722,960, T>C on the plus strand (A>G on the coding strand, the complement: TTN is on the minus strand). VCF-style: chr2-178722960-T-C. GRCh37 (hg19) VCF-style: chr2-179587687-T-C.
Other names: c.13282+15122A>G (NM_003319.4); c.13858+15122A>G (NM_133437.4); c.13657+15122A>G (NM_133432.3); c.18230-23A>G (NM_133378.4); c.21011-23A>G (NM_001256850.1).
Identifiers: ClinVar variation 671270 (VCV000671270.3), dbSNP rs2742327, ClinGen allele CA2000918.
Genomic context (GRCh38, chr2:178,722,960, plus strand): 5'-CTCCAGAGGTTCCAGTTCCGTAACAAAATAAGGCGGTTCTAAGGAAGAAAGGCTCACAGT[T>C]AGCAACTGGAATTAATGAATATCAAAGAAACTATGCTACATGTTAGAAGAATGCAAATGA-3'